The following is an entry in ClinVar:

NM_000268.4(NF2):c.2T>C (p.Met1Thr)

Gene: NF2 (NF2, moesin-ezrin-radixin like (MERLIN) tumor suppressor; plus strand). Cytogenetic location: 22q12.2.
Variant type: single nucleotide variant.
Coding change: c.2T>C on transcript NM_000268.4 (MANE Select); coding-DNA position 2, T replaced by C.
Protein change: p.Met1Thr; changes the start codon (methionine 1).
Molecular consequence: missense variant, initiator codon variant. On other transcripts: non-coding transcript variant (1).
Genome position (GRCh38, 1-based): chr22:29,604,000, T>C. VCF-style: chr22-29604000-T-C. GRCh37 (hg19) VCF-style: chr22-29999989-T-C.
Other names: c.2T>C, p.Met1Thr (NM_016418.5, NM_181825.3, NM_181828.3 and 5 more transcripts); short protein forms M1T.
Identifiers: ClinVar variation 504454 (VCV000504454.5), dbSNP rs1555978325, ClinGen allele CA411145667.

ClinVar aggregate classification (germline): Uncertain significance. Review status: criteria provided, multiple submitters, no conflicts (2 of 4 stars). 2 submissions from 2 submitters: Uncertain significance (2). Last evaluated 2025-03-23.

Conditions:
Neurofibromatosis, type 2 (SWNV). Also called: NF2-Related Schwannomatosis; BILATERAL ACOUSTIC NEUROFIBROMATOSIS; SCHWANNOMATOSIS, VESTIBULAR. Identifiers: Orphanet 637, MedGen C0027832, MONDO:0007039, OMIM 101000. Disease mechanism: loss of function.

Submissions (2):

Labcorp Genetics (formerly Invitae), Labcorp
Classification: Uncertain significance for Neurofibromatosis, type 2. Last evaluated: 2025-03-23. Review status: criteria provided, single submitter. Criteria: Invitae Variant Classification Sherloc (09022015). Collection method: clinical testing. Allele origin: germline.
Comment: This sequence change affects the initiator methionine of the NF2 mRNA. The next in-frame methionine is located at codon 9. This variant is not present in population databases (gnomAD no frequency). This variant has not been reported in the literature in individuals affected with NF2-related conditions. ClinVar contains an entry for this variant (Variation ID: 504454). Experimental studies and prediction algorithms are not available or were not evaluated, and the functional significance of this variant is currently unknown. In summary, the available evidence is currently insufficient to determine the role of this variant in disease. Therefore, it has been classified as a Variant of Uncertain Significance.

GeneDx
Classification: Uncertain significance. Last evaluated: 2023-05-08. Review status: criteria provided, single submitter. Criteria: GeneDx Variant Classification Process June 2021. Collection method: clinical testing. Allele origin: germline. Affected: yes.
Comment: Initiation codon variant in a gene for which loss-of-function is a known mechanism of disease, however a downstream in-frame Methionine residue is present which, if utilized, may result in a functional protein; Not observed at significant frequency in large population cohorts (gnomAD); Has not been previously published as pathogenic or benign to our knowledge; This variant is associated with the following publications: (PMID: 35332608)